The following is an entry in ClinVar:

NM_007348.4(ATF6):c.41C>T (p.Pro14Leu)

Gene: ATF6 (activating transcription factor 6; plus strand). Cytogenetic location: 1q23.3.
Variant type: single nucleotide variant.
Coding change: c.41C>T on transcript NM_007348.4 (MANE Select); coding-DNA position 41, C replaced by T.
Protein change: p.Pro14Leu; replaces proline 14 with leucine.
Molecular consequence: missense variant.
Genome position (GRCh38, 1-based): chr1:161,766,401, C>T. VCF-style: chr1-161766401-C-T. GRCh37 (hg19) VCF-style: chr1-161736191-C-T.
Other names: short protein forms P14L.
Identifiers: ClinVar variation 1478046 (VCV001478046.5), dbSNP rs540411870, ClinGen allele CA343380900.
Genomic context (GRCh38, chr1:161,766,401, plus strand): 5'-AGGGAGAAGGAACTTGTGAAATGGGGGAGCCGGCTGGGGTTGCCGGCACCATGGAGTCAC[C>T]TTTTAGCCCGGGACTCTTTCACAGGCTGGATGAAGATTGGGGTGAGTGGGATCTGAGAAT-3'
Protein context (NP_031374.2, residues 4-24): PAGVAGTMES[Pro14Leu]FSPGLFHRLD

ClinVar aggregate classification (germline): Uncertain significance (1 of 4 stars; one submission).

gnomAD v4.1: 1 of 1,613,596 alleles (0.000062%); highest among the groups gnomAD compares: South Asian, 0.0011%; no homozygotes.

Submission:

Labcorp Genetics (formerly Invitae), Labcorp
Classification: Uncertain significance. Last evaluated: 2022-09-13. Review status: criteria provided, single submitter. Criteria: Invitae Variant Classification Sherloc (09022015). Collection method: clinical testing. Allele origin: germline.
Comment: This sequence change replaces proline, which is neutral and non-polar, with leucine, which is neutral and non-polar, at codon 14 of the ATF6 protein (p.Pro14Leu). This variant is not present in population databases (gnomAD no frequency). This variant has not been reported in the literature in individuals affected with ATF6-related conditions. ClinVar contains an entry for this variant (Variation ID: 1478046). Algorithms developed to predict the effect of missense changes on protein structure and function are either unavailable or do not agree on the potential impact of this missense change (SIFT: "Deleterious"; PolyPhen-2: "Benign"; Align-GVGD: "Class C0"). In summary, the available evidence is currently insufficient to determine the role of this variant in disease. Therefore, it has been classified as a Variant of Uncertain Significance.